The following is an entry in ClinVar:

NM_012193.4(FZD4):c.332A>G (p.Asn111Ser)

Genes: FZD4 (frizzled class receptor 4; minus strand), PRSS23 (serine protease 23; plus strand). Cytogenetic location: 11q14.2.
Variant type: single nucleotide variant.
Coding change: c.332A>G on transcript NM_012193.4 (MANE Select); coding-DNA position 332, A replaced by G.
Protein change: p.Asn111Ser; replaces asparagine 111 with serine.
Molecular consequence: missense variant. On other transcripts: non-coding transcript variant (2).
Genome position (GRCh38, 1-based): chr11:86,952,424, T>C on the plus strand (A>G on the coding strand, the complement: FZD4 is on the minus strand). VCF-style: chr11-86952424-T-C. GRCh37 (hg19) VCF-style: chr11-86663466-T-C.
Other names: short protein forms N111S.
Identifiers: ClinVar variation 2792681 (VCV002792681.4), dbSNP rs762727431, ClinGen allele CA6218478.

ClinVar aggregate classification (germline): Uncertain significance. Review status: criteria provided, multiple submitters, no conflicts (2 of 4 stars). 2 submissions from 2 submitters: Uncertain significance (2). Last evaluated 2023-04-17.

Allele frequency attached by ClinVar (database versions not stated): ExAC 0.00002; gnomAD 0.00003.
gnomAD v4.1: 49 of 1,613,896 alleles (0.003%); highest among the groups gnomAD compares: East Asian, 0.011%; no homozygotes.

Submissions (2):

Labcorp Genetics (formerly Invitae), Labcorp
Classification: Uncertain significance. Last evaluated: 2023-04-17. Review status: criteria provided, single submitter. Criteria: Invitae Variant Classification Sherloc (09022015). Collection method: clinical testing. Allele origin: germline.
Comment: In summary, the available evidence is currently insufficient to determine the role of this variant in disease. Therefore, it has been classified as a Variant of Uncertain Significance. Advanced modeling of protein sequence and biophysical properties (such as structural, functional, and spatial information, amino acid conservation, physicochemical variation, residue mobility, and thermodynamic stability) performed at Invitae indicates that this missense variant is not expected to disrupt FZD4 protein function. This sequence change replaces asparagine, which is neutral and polar, with serine, which is neutral and polar, at codon 111 of the FZD4 protein (p.Asn111Ser). This variant is present in population databases (rs762727431, gnomAD 0.008%). This variant has not been reported in the literature in individuals affected with FZD4-related conditions.

Blueprint Genetics
Classification: Uncertain significance. Last evaluated: 2021-03-21. Review status: criteria provided, single submitter. Criteria: ACMG Guidelines, 2015. Collection method: clinical testing. Allele origin: germline.